The following is an entry in ClinVar:

ClinVar aggregate classification (germline): Uncertain significance (1 of 4 stars; one submission).

Allele frequency attached by ClinVar (database versions not stated): gnomAD exomes below 0.00001 and 0.00002; ExAC 0.00001; gnomAD 0.00003 and 0.00004; TOPMed 0.00006; ESP Exome Variant Server 0.00015.
gnomAD v4.1: 9 of 1,613,934 alleles (0.00056%); highest among the groups gnomAD compares: African/African-American, 0.012%; no homozygotes.

Submission:

Labcorp Genetics (formerly Invitae), Labcorp
Classification: Uncertain significance. Last evaluated: 2022-07-11. Review status: criteria provided, single submitter. Criteria: Invitae Variant Classification Sherloc (09022015). Collection method: clinical testing. Allele origin: germline.
Comment: This sequence change replaces glutamic acid, which is acidic and polar, with lysine, which is basic and polar, at codon 19 of the TULP1 protein (p.Glu19Lys). This variant is present in population databases (rs367559991, gnomAD 0.03%). This variant has not been reported in the literature in individuals affected with TULP1-related conditions. ClinVar contains an entry for this variant (Variation ID: 1408769). Algorithms developed to predict the effect of missense changes on protein structure and function are either unavailable or do not agree on the potential impact of this missense change (SIFT: "Not Available"; PolyPhen-2: "Possibly Damaging"; Align-GVGD: "Not Available"). In summary, the available evidence is currently insufficient to determine the role of this variant in disease. Therefore, it has been classified as a Variant of Uncertain Significance.

NM_003322.6(TULP1):c.55G>A (p.Glu19Lys)

Gene: TULP1 (TUB like protein 1; minus strand). Cytogenetic location: 6p21.31.
Variant type: single nucleotide variant.
Coding change: c.55G>A on transcript NM_003322.6 (MANE Select); coding-DNA position 55, G replaced by A.
Protein change: p.Glu19Lys; replaces glutamic acid 19 with lysine.
Molecular consequence: missense variant.
Genome position (GRCh38, 1-based): chr6:35,512,683, C>T on the plus strand (G>A on the coding strand, the complement: TULP1 is on the minus strand). VCF-style: chr6-35512683-C-T. GRCh37 (hg19) VCF-style: chr6-35480460-C-T.
Other names: c.55G>A, p.Glu19Lys (NM_001289395.2); short protein forms E19K.
Identifiers: ClinVar variation 1408769 (VCV001408769.5), dbSNP rs367559991, ClinGen allele CA3773043.